The following is an entry in ClinVar:

NM_006767.4(LZTR1):c.775G>C (p.Glu259Gln)

Gene: LZTR1 (leucine zipper like post translational regulator 1; plus strand). Cytogenetic location: 22q11.21.
Variant type: single nucleotide variant.
Coding change: c.775G>C on transcript NM_006767.4 (MANE Select); coding-DNA position 775, G replaced by C.
Protein change: p.Glu259Gln; replaces glutamic acid 259 with glutamine.
Molecular consequence: missense variant.
Genome position (GRCh38, 1-based): chr22:20,990,509, G>C. VCF-style: chr22-20990509-G-C. GRCh37 (hg19) VCF-style: chr22-21344798-G-C.
Other names: short protein forms E259Q.
Identifiers: ClinVar variation 2447715 (VCV002447715.2), dbSNP rs2518615902, ClinGen allele CA410780681.
Genomic context (GRCh38, chr22:20,990,509, plus strand): 5'-AAGATGTTTGTATTCTCTGGGCAAAGCGGAGCCAAAATAACCAACAACCTCTTCCAGTTT[G>C]AATTCAAGGACAAGACGTGAGTACTCTGGCCAGTGGGGTGGAGGGAGGACGGTCAGTTCC-3'
Protein context (NP_006758.2, residues 249-269): AKITNNLFQF[Glu259Gln]FKDKTWTRIP

ClinVar aggregate classification (germline): Uncertain significance (1 of 4 stars; one submission).

Conditions:
Cardiovascular phenotype. Identifiers: MedGen CN230736.
Hereditary cancer-predisposing syndrome. Also called: Neoplastic Syndromes, Hereditary; Hereditary Cancer Syndrome; Tumor predisposition; Hereditary neoplastic syndrome. Identifiers: Orphanet 140162, MedGen C0027672, MeSH D009386, MONDO:0015356.

Submission:

Ambry Genetics
Classification: Uncertain significance for Cardiovascular phenotype; Hereditary cancer-predisposing syndrome. Last evaluated: 2022-12-12. Review status: criteria provided, single submitter. Criteria: Ambry Variant Classification Scheme 2023. Collection method: clinical testing. Allele origin: germline.
Comment: The p.E259Q variant (also known as c.775G>C), located in coding exon 8 of the LZTR1 gene, results from a G to C substitution at nucleotide position 775. The glutamic acid at codon 259 is replaced by glutamine, an amino acid with highly similar properties. This amino acid position is conserved. In addition, this alteration is predicted to be tolerated by in silico analysis. Since supporting evidence is limited at this time, the clinical significance of this alteration remains unclear.